The following is an entry in ClinVar:

NM_001105206.3(LAMA4):c.1277T>C (p.Met426Thr)

Gene: LAMA4 (laminin subunit alpha 4; minus strand). Cytogenetic location: 6q21.
Variant type: single nucleotide variant.
Coding change: c.1277T>C on transcript NM_001105206.3 (MANE Select); coding-DNA position 1277, T replaced by C.
Protein change: p.Met426Thr; replaces methionine 426 with threonine.
Molecular consequence: missense variant.
Genome position (GRCh38, 1-based): chr6:112,175,393, A>G on the plus strand (T>C on the coding strand, the complement: LAMA4 is on the minus strand). VCF-style: chr6-112175393-A-G. GRCh37 (hg19) VCF-style: chr6-112496595-A-G.
Other names: c.1256T>C, p.Met419Thr (NM_001105207.3, NM_002290.5); c.1256T>C (LRG_433t2); short protein forms M419T, M426T.
Identifiers: ClinVar variation 192120 (VCV000192120.29), dbSNP rs200112094, ClinGen allele CA238399.
Genomic context (GRCh38, chr6:112,175,393, plus strand): 5'-TCCTCATCCACGAGCTCCCGTTGGGTGAAAAATGGTTGACGGCTTCTAATCTCTTCAAGC[A>G]TCTTCTGGGCCAACACCAGCTTCTCAGAGATTTCCTTGGGGCTAAGTTCATGCTCTTCCC-3'
Protein context (NP_001098676.2, residues 416-436): ISEKLVLAQK[Met426Thr]LEEIRSRQPF

ClinVar aggregate classification (germline): Conflicting classifications of pathogenicity. Review status: criteria provided, conflicting classifications (1 of 4 stars). 10 submissions from 10 submitters: Uncertain significance (6); Likely benign (2). 2 of the submissions do not count toward it. Last evaluated 2025-10-19.

Conditions:
Cardiovascular phenotype. Identifiers: MedGen CN230736.
Dilated cardiomyopathy 1JJ (CMD1JJ). Identifiers: Orphanet 154, MedGen C3808935, MONDO:0014095, OMIM 615235.
Primary familial hypertrophic cardiomyopathy (HCM). Identifiers: Orphanet 99739, MedGen C0949658, MeSH D024741, MONDO:0024573. Inheritance: Various modes of inheritance.

Allele frequency attached by ClinVar (database versions not stated): ESP Exome Variant Server 0.00008; gnomAD exomes 0.00008; ExAC 0.00009; gnomAD 0.00012 and 0.00013; TOPMed 0.00015.
gnomAD v4.1: 367 of 1,614,044 alleles (0.023%); highest among the groups gnomAD compares: Non-Finnish European, 0.029%; no homozygotes.

Submissions (10):

Labcorp Genetics (formerly Invitae), Labcorp
Classification: Uncertain significance for Dilated cardiomyopathy 1JJ. Last evaluated: 2025-10-19. Review status: criteria provided, single submitter. Criteria: Invitae Variant Classification Sherloc (09022015). Collection method: clinical testing. Allele origin: germline.
Comment: This sequence change replaces methionine, which is neutral and non-polar, with threonine, which is neutral and polar, at codon 419 of the LAMA4 protein (p.Met419Thr). This variant is present in population databases (rs200112094, gnomAD 0.01%). This variant has not been reported in the literature in individuals affected with LAMA4-related conditions. ClinVar contains an entry for this variant (Variation ID: 192120). Invitae Evidence Modeling of protein sequence and biophysical properties (such as structural, functional, and spatial information, amino acid conservation, physicochemical variation, residue mobility, and thermodynamic stability) indicates that this missense variant is not expected to disrupt LAMA4 protein function with a negative predictive value of 80%. In summary, the available evidence is currently insufficient to determine the role of this variant in disease. Therefore, it has been classified as a Variant of Uncertain Significance.

Ambry Genetics
Classification: Uncertain significance for Cardiovascular phenotype. Last evaluated: 2025-07-24. Review status: criteria provided, single submitter. Criteria: Ambry Variant Classification Scheme 2023. Collection method: clinical testing. Allele origin: germline.
Comment: The p.M419T variant (also known as c.1256T>C), located in coding exon 10 of the LAMA4 gene, results from a T to C substitution at nucleotide position 1256. The methionine at codon 419 is replaced by threonine, an amino acid with similar properties. This variant has been detected in one individual from a dilated cardiomyopathy cohort, as well as in one sudden infant death case; however, limited clinical details were provided for both (Campuzano O et al. Forensic Sci Int Genet, 2018 11;37:54-63; Mazzarotto F et al. Circulation, 2020 02;141:387-398). This alteration has also been reported as a secondary cardiac variant in an exome cohort (Ng D et al. Circ Cardiovasc Genet, 2013 Aug;6:337-46). This amino acid position is highly conserved in available vertebrate species. In addition, the in silico prediction for this alteration is inconclusive. Since supporting evidence is limited at this time, the clinical significance of this alteration remains unclear.

Women's Health and Genetics/Laboratory Corporation of America, LabCorp
Classification: Likely benign. Last evaluated: 2025-03-14. Review status: criteria provided, single submitter. Criteria: LabCorp Variant Classification Summary - May 2015. Collection method: clinical testing. Allele origin: germline.
Comment: Variant summary: LAMA4 c.1277T>C (p.Met426Thr) results in a non-conservative amino acid change in the encoded protein sequence. Three of five in-silico tools predict a damaging effect of the variant on protein function. The variant allele was found at a frequency of 8.4e-05 in 251366 control chromosomes. The observed variant frequency is approximately 3 fold of the estimated maximal expected allele frequency for a pathogenic variant in LAMA4 causing Cardiomyopathy phenotype (2.5e-05). c.1277T>C has been reported in the literature in individuals affected with Cardiomyopathy (Campuzano_2018, Miles_2019, Mazzarotto_2020). These reports do not provide unequivocal conclusions about association of the variant with Cardiomyopathy. To our knowledge, no experimental evidence demonstrating an impact on protein function has been reported. The following publications have been ascertained in the context of this evaluation (PMID: 30086531, 31983221, 30700137). ClinVar contains an entry for this variant (Variation ID: 192120). Based on the evidence outlined above, the variant was classified as likely benign.

GeneDx
Classification: Uncertain significance. Last evaluated: 2023-12-26. Review status: criteria provided, single submitter. Criteria: GeneDx Variant Classification Process June 2021. Collection method: clinical testing. Allele origin: germline. Affected: yes.
Comment: Observed in an individual with DCM in the published literature (PMID: 31983221); In silico analysis supports that this missense variant has a deleterious effect on protein structure/function; This variant is associated with the following publications: (PMID: 23861362, 31983221)

Department of Pathology and Laboratory Medicine, Sinai Health System
Classification: Uncertain significance for Dilated cardiomyopathy 1JJ. Last evaluated: 2023-02-21. Review status: criteria provided, single submitter. Criteria: ACMG Guidelines, 2015. Collection method: research. Allele origin: germline.

Stanford Center for Inherited Cardiovascular Disease, Stanford University
Classification: Uncertain significance. Last evaluated: 2017-02-24. Review status: criteria provided, single submitter. Criteria: ACMG Guidelines, 2015. Collection method: provider interpretation. Allele origin: germline.

Molecular Diagnostic Laboratory for Inherited Cardiovascular Disease, Montreal Heart Institute
Classification: Uncertain significance for Primary familial hypertrophic cardiomyopathy. Last evaluated: 2016-05-31. Review status: criteria provided, single submitter. Criteria: ACMG Guidelines, 2015. Collection method: clinical testing. Allele origin: germline. Affected: yes.

Biesecker Lab/Clinical Genomics Section, National Institutes of Health
Classification: Likely benign. Last evaluated: 2013-06-24. Review status: criteria provided, single submitter. Criteria: Ng et al. (Circ Cardiovasc Genet. 2013). Collection method: research. Allele origin: unknown. Observed: 2 variant alleles. Study: ClinSeq.
Comment: The study set was not selected for affection status in relation to any cancer. Pathogenicity categories were based on literature curation. See Pubmed ID:23861362 for details.

Medical sequencing

Clinical Genetics DNA and cytogenetics Diagnostics Lab, Erasmus MC, Erasmus Medical Center
Classification: Uncertain significance. Review status: no assertion criteria provided. Collection method: clinical testing. Allele origin: germline. Affected: yes. Study: VKGL Data-share Consensus. Not counted in ClinVar's aggregate classification.

Joint Genome Diagnostic Labs from Nijmegen and Maastricht, Radboudumc and MUMC+
Classification: Uncertain significance. Review status: no assertion criteria provided. Collection method: clinical testing. Allele origin: germline. Affected: yes. Study: VKGL Data-share Consensus. Not counted in ClinVar's aggregate classification.

Literature cited by the submitters: PubMed 23861362 (cited by Ambry Genetics); PubMed 30086531 (cited by Ambry Genetics and Women's Health and Genetics/Laboratory Corporation of America, LabCorp); PubMed 31983221 (cited by Ambry Genetics and Women's Health and Genetics/Laboratory Corporation of America, LabCorp); PubMed 30700137 (cited by Women's Health and Genetics/Laboratory Corporation of America, LabCorp).